The following is an entry in ClinVar:

ClinVar aggregate classification (germline): Uncertain significance (1 of 4 stars; one submission).

Submission:

GeneDx
Classification: Uncertain significance. Last evaluated: 2022-11-18. Review status: criteria provided, single submitter. Criteria: GeneDx Variant Classification Process June 2021. Collection method: clinical testing. Allele origin: germline. Affected: yes.
Comment: Frameshift variant predicted to result in protein truncation or nonsense mediated decay in a gene or region of a gene for which loss of function is not a well-established mechanism of disease; Not observed at significant frequency in large population cohorts (gnomAD); Has not been previously published as pathogenic or benign to our knowledge

NM_001318510.2(ACSL4):c.1726del (p.Val576fs)

Gene: ACSL4 (acyl-CoA synthetase long chain family member 4; minus strand). Cytogenetic location: Xq23.
Variant type: Deletion.
Coding change: c.1726del on transcript NM_001318510.2 (MANE Select); coding-DNA position 1726, one base deleted (G; older notation c.1726delG).
Protein change: p.Val576fs; shifts the reading frame from valine 576.
Molecular consequence: frameshift variant.
Genome position (GRCh38, 1-based): chrX:109,659,483, C deleted on the plus strand (G on the coding strand, the reverse complement: ACSL4 is on the minus strand); the first of 2 consecutive C bases (chrX:109,659,483-109,659,484); deleting either gives the same sequence. VCF-style (leftmost placement, unchanged base first): chrX-109659482-AC-A. GRCh37 (hg19) VCF-style: chrX-108902711-AC-A.
Other names: c.1849del, p.Val617fs (NM_001318509.2, NM_022977.3); c.1726del, p.Val576fs (NM_004458.3); short protein forms V576fs, V617fs.
Identifiers: ClinVar variation 2502487 (VCV002502487.1), dbSNP rs2520974779, ClinGen allele CA2580612457.